The following is an entry in ClinVar:

ClinVar aggregate classification (germline): Uncertain significance (1 of 4 stars; one submission).

Conditions:
Cardiovascular phenotype. Identifiers: MedGen CN230736.
Hereditary cancer-predisposing syndrome. Also called: Neoplastic Syndromes, Hereditary; Tumor predisposition; Hereditary Cancer Syndrome; Hereditary neoplastic syndrome. Identifiers: Orphanet 140162, MedGen C0027672, MeSH D009386, MONDO:0015356.

Allele frequency attached by ClinVar (database versions not stated): gnomAD exomes below 0.00001; ExAC 0.00001.
gnomAD v4.1: 1 of 1,612,898 alleles (0.000062%); highest among the groups gnomAD compares: South Asian, 0.0011%; no homozygotes.

Submission:

Ambry Genetics
Classification: Uncertain significance for Cardiovascular phenotype; Hereditary cancer-predisposing syndrome. Last evaluated: 2020-11-18. Review status: criteria provided, single submitter. Criteria: Ambry Variant Classification Scheme 2023. Collection method: clinical testing. Allele origin: germline.
Comment: The p.R56H variant (also known as c.167G>A), located in coding exon 1 of the LZTR1 gene, results from a G to A substitution at nucleotide position 167. The arginine at codon 56 is replaced by histidine, an amino acid with highly similar properties. This amino acid position is highly conserved in available vertebrate species. In addition, the in silico prediction for this alteration is inconclusive. Since supporting evidence is limited at this time, the clinical significance of this alteration remains unclear.

NM_006767.4(LZTR1):c.167G>A (p.Arg56His)

Gene: LZTR1 (leucine zipper like post translational regulator 1; plus strand). Cytogenetic location: 22q11.21.
Variant type: single nucleotide variant.
Coding change: c.167G>A on transcript NM_006767.4 (MANE Select); coding-DNA position 167, G replaced by A.
Protein change: p.Arg56His; replaces arginine 56 with histidine.
Molecular consequence: missense variant.
Genome position (GRCh38, 1-based): chr22:20,982,538, G>A. VCF-style: chr22-20982538-G-A. GRCh37 (hg19) VCF-style: chr22-21336827-G-A.
Other names: short protein forms R56H.
Identifiers: ClinVar variation 1777873 (VCV001777873.2), dbSNP rs750767136, ClinGen allele CA10118289.